The following is an entry in ClinVar:

ClinVar aggregate classification (germline): Likely pathogenic (1 of 4 stars; one submission).

Conditions:
Retinitis pigmentosa 80 (RP80). Identifiers: MedGen C4540439, MONDO:0054708, OMIM 617781.

Submission:

MVZ Medizinische Genetik Mainz
Classification: Likely pathogenic for Retinitis pigmentosa 80. Last evaluated: 2024-09-10. Review status: criteria provided, single submitter. Criteria: UK Practice Guidelines For Variant Classification V4 01 2020. Collection method: clinical testing. Allele origin: germline. Inheritance: Autosomal dominant inheritance. Affected: yes. Observed: 1 variant allele.
Comment: ACMG Criteria: PVS1,PM2_SUP

NM_014714.4(IFT140):c.3236dup (p.Gln1080fs)

Gene: IFT140 (intraflagellar transport 140; minus strand). Cytogenetic location: 16p13.3.
Variant type: Duplication.
Coding change: c.3236dup on transcript NM_014714.4 (MANE Select); coding-DNA position 3236, one base duplicated (T; older notation c.3236dupT).
Protein change: p.Gln1080fs; shifts the reading frame from glutamine 1080.
Molecular consequence: frameshift variant.
Genome position (GRCh38, 1-based): chr16:1,523,862, A duplicated on the plus strand (T on the coding strand, the reverse complement: IFT140 is on the minus strand). VCF-style (leftmost placement, unchanged base first): chr16-1523861-C-CA. GRCh37 (hg19) VCF-style: chr16-1573862-C-CA.
Other names: short protein forms Q1080fs.
Identifiers: ClinVar variation 3370314 (VCV003370314.1).